The following is an entry in ClinVar:

ClinVar aggregate classification (germline): Likely pathogenic (0 of 4 stars; one submission).

Conditions:
Growth delay due to insulin-like growth factor I resistance. Also called: Somatomedin end-organ insensitivity to; Somatomedin-c resistance to; IGF-1 resistance; Insulin-Like Growth Factor I Resistance; IGF-I RESISTANCE. Identifiers: Orphanet 73273, MedGen C1849157, MONDO:0010038, OMIM 270450.

Submission:

Department of Pediatrics, Division of Medical Genetics, Faculty of Medicine Ramathibodi Hospital, Mahidol University
Classification: Likely pathogenic for Growth delay due to insulin-like growth factor I resistance. Last evaluated: 2025-03-10. Review status: no assertion criteria provided. Collection method: research. Allele origin: germline. Inheritance: Autosomal dominant inheritance. Affected: yes. Observed: 1 heterozygote.
Comment: This sequence change creates a premature translational stop signal (p.Arg107Alafs*16) in the IGF1R gene. It is expected to result in an absent or disrupted protein product. Loss-of-function variants in IGF1R are known to be pathogenic (PMID: 16569742). This variant is not present in population databases (gnomAD no frequency). For these reasons, this variant has been classified as Likely-pathogenic.

Literature cited by the submitters: PubMed 16569742.

NM_000875.5(IGF1R):c.319del (p.Arg107fs)

Gene: IGF1R (insulin like growth factor 1 receptor; plus strand). Cytogenetic location: 15q26.3.
Variant type: Deletion.
Coding change: c.319del on transcript NM_000875.5 (MANE Select); coding-DNA position 319, one base deleted (C; older notation c.319delC).
Protein change: p.Arg107fs; shifts the reading frame from arginine 107.
Molecular consequence: frameshift variant.
Genome position (GRCh38, 1-based): chr15:98,707,786, C deleted; the last of 2 consecutive C bases (chr15:98,707,785-98,707,786); deleting either gives the same sequence. VCF-style (leftmost placement, unchanged base first): chr15-98707784-TC-T. GRCh37 (hg19) VCF-style: chr15-99251013-TC-T.
Other names: c.319del, p.Arg107fs (NM_001291858.2); short protein forms R107fs.
Identifiers: ClinVar variation 3774373 (VCV003774373.1).